The following is an entry in ClinVar:

NM_001134407.3(GRIN2A):c.1913C>T (p.Ala638Val)

Gene: GRIN2A (glutamate ionotropic receptor NMDA type subunit 2A; minus strand). Cytogenetic location: 16p13.2.
Variant type: single nucleotide variant.
Coding change: c.1913C>T on transcript NM_001134407.3 (MANE Select); coding-DNA position 1913, C replaced by T.
Protein change: p.Ala638Val; replaces alanine 638 with valine.
Molecular consequence: missense variant.
Genome position (GRCh38, 1-based): chr16:9,829,517, G>A on the plus strand (C>T on the coding strand, the complement: GRIN2A is on the minus strand). VCF-style: chr16-9829517-G-A. GRCh37 (hg19) VCF-style: chr16-9923374-G-A.
Other names: c.1913C>T, p.Ala638Val (NM_000833.5, NM_001134408.2); c.1913C>T (NM_000833.3); short protein forms A638V.
Identifiers: ClinVar variation 561021 (VCV000561021.5), dbSNP rs1567329011, ClinGen allele CA394799428.
Genomic context (GRCh38, chr16:9,829,517, plus strand): 5'-AATTCCTCTTGGATCATGAAGGCAGCCAGATTGGCTGTGTAGCTAGCCAGGAATATGACA[G>A]CGAAGAAGGCCCATACAGATACCATGATCTTGCTGGTGGTCCCTTTAGGATTCTGGACAG-3'
Protein context (NP_001127879.1, residues 628-648): KIMVSVWAFF[Ala638Val]VIFLASYTAN

ClinVar aggregate classification (germline): Conflicting classifications of pathogenicity. Review status: criteria provided, conflicting classifications (1 of 4 stars). 3 submissions from 3 submitters: Pathogenic (1); Uncertain significance (2). Last evaluated 2026-03-16.

Conditions:
Landau-Kleffner syndrome (FESD). Also called: EPILEPSY, FOCAL, WITH SPEECH DISORDER AND WITH OR WITHOUT MENTAL RETARDATION; APHASIA, ACQUIRED, WITH EPILEPSY. Identifiers: Orphanet 1945, Orphanet 725, Orphanet 98818, MedGen C0282512, MONDO:0009509, OMIM 245570.

Submissions (3):

GeneDx
Classification: Pathogenic. Last evaluated: 2026-03-16. Review status: criteria provided, single submitter. Criteria: GeneDx Variant Classification Process June 2021. Collection method: clinical testing. Allele origin: germline.
Comment: Not observed at significant frequency in large population cohorts (gnomAD); In silico analysis supports that this missense variant has a deleterious effect on protein structure/function; This variant is associated with the following publications: (PMID: 27839871, 38764027)

3billion
Classification: Uncertain significance for Landau-Kleffner syndrome. Last evaluated: 2023-02-23. Review status: criteria provided, single submitter. Criteria: ACMG Guidelines, 2015. Collection method: clinical testing. Allele origin: unknown. Affected: yes.
Comment: The variant is not observed in the gnomAD v2.1.1 dataset. In silico tool predictions suggest damaging effect of the variant on gene or gene product (REVEL: 0.45; 3Cnet: 0.98). Therefore, this variant is classified as VUS according to the recommendation of ACMG/AMP guideline.

Baylor Genetics
Classification: Uncertain significance for Landau-Kleffner syndrome. Last evaluated: 2017-09-01. Review status: criteria provided, single submitter. Criteria: ACMG Guidelines, 2015. Collection method: clinical testing. Allele origin: de novo. Inheritance: Autosomal dominant inheritance. Affected: yes.

Literature cited by the submitters: PubMed 25326635 (cited by Baylor Genetics).